The following is an entry in ClinVar:

NM_003924.4(PHOX2B):c.536C>G (p.Ser179Cys)

Gene: PHOX2B (paired like homeobox 2B; minus strand). Cytogenetic location: 4p13.
Variant type: single nucleotide variant.
Coding change: c.536C>G on transcript NM_003924.4 (MANE Select); coding-DNA position 536, C replaced by G.
Protein change: p.Ser179Cys; replaces serine 179 with cysteine.
Molecular consequence: missense variant.
Genome position (GRCh38, 1-based): chr4:41,746,216, G>C on the plus strand (C>G on the coding strand, the complement: PHOX2B is on the minus strand). VCF-style: chr4-41746216-G-C. GRCh37 (hg19) VCF-style: chr4-41748233-G-C.
Other names: short protein forms S179C.
Identifiers: ClinVar variation 4136095 (VCV004136095.1).

ClinVar aggregate classification (germline): Uncertain significance (1 of 4 stars; one submission).

Conditions:
Hereditary cancer-predisposing syndrome. Also called: Hereditary neoplastic syndrome; Neoplastic Syndromes, Hereditary; Tumor predisposition; Hereditary Cancer Syndrome. Identifiers: Orphanet 140162, MedGen C0027672, MeSH D009386, MONDO:0015356.

Submission:

Ambry Genetics
Classification: Uncertain significance for Hereditary cancer-predisposing syndrome. Last evaluated: 2025-08-29. Review status: criteria provided, single submitter. Criteria: Ambry Variant Classification Scheme 2023. Collection method: clinical testing. Allele origin: germline.
Comment: The p.S179C variant (also known as c.536C>G), located in coding exon 3 of the PHOX2B gene, results from a C to G substitution at nucleotide position 536. The serine at codon 179 is replaced by cysteine, an amino acid with dissimilar properties. This amino acid position is conserved. In addition, the in silico prediction for this alteration is inconclusive. Based on the available evidence, the clinical significance of this variant remains unclear.